The following is an entry in ClinVar:

ClinVar aggregate classification (germline): Likely benign. Review status: criteria provided, multiple submitters, no conflicts (2 of 4 stars). 5 submissions from 5 submitters: Likely benign (5). Last evaluated 2025-08-18.

Conditions:
Cardiovascular phenotype. Identifiers: MedGen CN230736.
RASopathy. Also called: rasopathies; Noonan spectrum disorder. Identifiers: Orphanet 536391, MedGen C5555857, MONDO:0021060.

Allele frequency attached by ClinVar (database versions not stated): gnomAD exomes 0.00002 and below 0.00001; TOPMed below 0.00001; ExAC 0.00001; gnomAD 0.00003 and 0.00001; 1000 Genomes Project 0.00020; 1000 Genomes Project 30x 0.00031.
gnomAD v4.1: 16 of 1,614,154 alleles (0.00099%); highest among the groups gnomAD compares: Middle Eastern, 0.017%; no homozygotes.

Submissions (5):

Labcorp Genetics (formerly Invitae), Labcorp
Classification: Likely benign for RASopathy. Last evaluated: 2025-08-18. Review status: criteria provided, single submitter. Criteria: Invitae Variant Classification Sherloc (09022015). Collection method: clinical testing. Allele origin: germline.

Molecular Diagnostic Laboratory for Inherited Cardiovascular Disease, Montreal Heart Institute
Classification: Likely benign. Last evaluated: 2025-04-09. Review status: criteria provided, single submitter. Criteria: ACMG Guidelines, 2015. Collection method: clinical testing. Allele origin: germline. Affected: no.

Ambry Genetics
Classification: Likely benign for Cardiovascular phenotype. Last evaluated: 2024-12-14. Review status: criteria provided, single submitter. Criteria: Ambry Variant Classification Scheme 2023. Collection method: clinical testing. Allele origin: germline.

GeneDx
Classification: Likely benign. Last evaluated: 2017-10-04. Review status: criteria provided, single submitter. Criteria: GeneDx Variant Classification (06012015). Collection method: clinical testing. Allele origin: germline. Affected: yes.
Comment: This variant is considered likely benign or benign based on one or more of the following criteria: it is a conservative change, it occurs at a poorly conserved position in the protein, it is predicted to be benign by multiple in silico algorithms, and/or has population frequency not consistent with disease.

Laboratory for Molecular Medicine, Mass General Brigham Personalized Medicine
Classification: Likely benign. Last evaluated: 2008-03-01. Review status: criteria provided, single submitter. Criteria: LMM Criteria. Collection method: clinical testing. Allele origin: germline. Observed: 1 variant allele.

NM_002834.5(PTPN11):c.66A>G (p.Thr22=)

Gene: PTPN11 (protein tyrosine phosphatase non-receptor type 11; plus strand). Cytogenetic location: 12q24.13.
Variant type: single nucleotide variant.
Coding change: c.66A>G on transcript NM_002834.5 (MANE Select); coding-DNA position 66, A replaced by G.
Protein change: p.Thr22=; no amino-acid change (threonine 22 retained).
Molecular consequence: synonymous variant.
Genome position (GRCh38, 1-based): chr12:112,446,327, A>G. VCF-style: chr12-112446327-A-G. GRCh37 (hg19) VCF-style: chr12-112884131-A-G.
Other names: c.66A>G, p.Thr22= (NM_001330437.2, NM_001374625.1, NM_080601.3); c.66A>G (NM_002834.4).
Identifiers: ClinVar variation 44612 (VCV000044612.15), dbSNP rs397516808, ClinGen allele CA134680.
Genomic context (GRCh38, chr12:112,446,327, plus strand): 5'-CTTTTTAAGATGGTTTCACCCAAATATCACTGGTGTGGAGGCAGAAAACCTACTGTTGAC[A>G]AGAGGAGTTGATGGCAGTTTTTTGGCAAGGCCTAGTAAAAGTAACCCTGGAGACTTCACA-3'
Protein context (NP_002825.3, residues 12-32): TGVEAENLLL[Thr22=]RGVDGSFLAR